The following is an entry in ClinVar:

ClinVar aggregate classification (germline): Likely benign. Review status: criteria provided, multiple submitters, no conflicts (2 of 4 stars). 3 submissions from 3 submitters: Likely benign (3). Last evaluated 2024-01-03.

Conditions:
Hereditary breast ovarian cancer syndrome. Also called: Hereditary breast and ovarian cancer; Hereditary breast and ovarian cancer syndrome (HBOC); Hereditary breast and/or ovarian cancer syndrome; BRCA1- and BRCA2-Associated Hereditary Breast and Ovarian Cancer; Hereditary breast and ovarian cancer syndrome; Breast and ovarian cancer. Identifiers: Orphanet 145, MedGen C0677776, MeSH D061325, MONDO:0003582. Disease mechanism: loss of function.

Submissions (3):

Women's Health and Genetics/Laboratory Corporation of America, LabCorp
Classification: Likely benign. Last evaluated: 2024-01-03. Review status: criteria provided, single submitter. Criteria: LabCorp Variant Classification Summary - May 2015. Collection method: clinical testing. Allele origin: germline.

Labcorp Genetics (formerly Invitae), Labcorp
Classification: Likely benign for Hereditary breast ovarian cancer syndrome. Last evaluated: 2022-08-31. Review status: criteria provided, single submitter. Criteria: Invitae Variant Classification Sherloc (09022015). Collection method: clinical testing. Allele origin: germline.

GeneDx
Classification: Likely benign. Last evaluated: 2020-02-14. Review status: criteria provided, single submitter. Criteria: GeneDx Variant Classification Process June 2021. Collection method: clinical testing. Allele origin: germline. Affected: yes.
Comment: Not observed in large population cohorts (Lek et al., 2016)

NM_007294.4(BRCA1):c.1083A>C (p.Ser361=)

Gene: BRCA1 (BRCA1 DNA repair associated; minus strand). Cytogenetic location: 17q21.31.
Variant type: single nucleotide variant.
Coding change: c.1083A>C on transcript NM_007294.4 (MANE Select); coding-DNA position 1083, A replaced by C.
Protein change: p.Ser361=; no amino-acid change (serine 361 retained).
Molecular consequence: synonymous variant. On other transcripts: intron variant (137).
Genome position (GRCh38, 1-based): chr17:43,094,448, T>G on the plus strand (A>C on the coding strand, the complement: BRCA1 is on the minus strand). VCF-style: chr17-43094448-T-G. GRCh37 (hg19) VCF-style: chr17-41246465-T-G.
Other names: c.870A>C, p.Ser290= (NM_001407571.1, NM_001407853.1, NM_001407894.1 and 9 more transcripts); c.1083A>C, p.Ser361= (NM_001407581.1, NM_001407582.1, NM_001407583.1 and 30 more transcripts); c.1080A>C, p.Ser360= (NM_001407587.1, NM_001407590.1, NM_001407591.1 and 22 more transcripts); c.1074A>C, p.Ser358= (NM_001407646.1, NM_001407647.1); c.960A>C, p.Ser320= (NM_001407648.1, NM_001407664.1, NM_001407665.1 and 19 more transcripts); c.957A>C, p.Ser319= (NM_001407649.1, NM_001407670.1, NM_001407671.1 and 11 more transcripts); c.1005A>C, p.Ser335= (NM_001407653.1, NM_001407654.1, NM_001407655.1 and 4 more transcripts); c.1002A>C, p.Ser334= (NM_001407659.1, NM_001407660.1, NM_001407661.1 and 1 more transcripts); and 40 more.
Identifiers: ClinVar variation 1214405 (VCV001214405.10), dbSNP rs2053996252, ClinGen allele CA500234001.